The following is an entry in ClinVar:

ClinVar aggregate classification (germline): Pathogenic (1 of 4 stars; one submission).

Conditions:
Asphyxiating thoracic dystrophy 3. Also called: SHORT-RIB THORACIC DYSPLASIA 3 WITH OR WITHOUT POLYDACTYLY; POLYDACTYLY WITH NEONATAL CHONDRODYSTROPHY, TYPE I; SHORT-RIB THORACIC DYSPLASIA 3/6 WITH POLYDACTYLY, DIGENIC; Short rib polydactyly syndrome 2B; Saldino-Noonan Syndrome. Identifiers: Orphanet 474, Orphanet 93269, Orphanet 93270, Orphanet 93271, MedGen C0036069, MONDO:0013127, OMIM 613091.

Submission:

Myriad Genetics, Inc.
Classification: Pathogenic for Asphyxiating thoracic dystrophy 3. Last evaluated: 2026-08-24. Review status: criteria provided, single submitter. Criteria: Myriad Autosomal Dominant, Autosomal Recessive and X-Linked Classification Criteria (2023). Collection method: clinical testing. Allele origin: unknown.
Comment: NM_001377.2(DYNC2H1):c.1269delA(K423Nfs*6) is expected to be pathogenic in the context of DYNC2H1-related disorders. This variant is predicted to lead to an abnormal or absent protein product due to the creation of a premature termination codon in DYNC2H1, a gene where loss-of-function variants are known to be pathogenic. Please note: this variant was assessed in the context of healthy population screening.

NM_001377.3(DYNC2H1):c.1269del (p.Lys423fs)

Gene: DYNC2H1 (dynein cytoplasmic 2 heavy chain 1; plus strand). Cytogenetic location: 11q22.3.
Variant type: Deletion.
Coding change: c.1269del on transcript NM_001377.3 (MANE Select); coding-DNA position 1269, one base deleted (A; older notation c.1269delA).
Protein change: p.Lys423fs; shifts the reading frame from lysine 423.
Molecular consequence: frameshift variant.
Genome position (GRCh38, 1-based): chr11:103,120,945, A deleted; the last of 3 consecutive A bases (chr11:103,120,943-103,120,945); deleting any one gives the same sequence. VCF-style (leftmost placement, unchanged base first): chr11-103120942-GA-G. GRCh37 (hg19) VCF-style: chr11-102991671-GA-G.
Other names: c.1269del, p.Lys423fs (NM_001080463.2); short protein forms K423fs.
Identifiers: ClinVar variation 5016272 (VCV005016272.1).
Genomic context (GRCh38, chr11:103,120,942, plus strand): 5'-TGATCCGTTGGGATGAACATGTACTTATTTTATTTTATATTAGCTTCTTCAAGCATTCCT[GA>G]AATATAAAGAGTTGGTAAAGCGTCCAACTATAAGCAAAGAATTGATGTTAGAAAGAGAAA-3'